The following is an entry in ClinVar:

ClinVar aggregate classification (germline): Benign/Likely benign. Review status: criteria provided, multiple submitters, no conflicts (2 of 4 stars). 3 submissions from 3 submitters: Benign (1); Likely benign (2). Last evaluated 2026-09-21.

gnomAD v4.1: 335 of 1,289,810 alleles (0.026%); highest among the groups gnomAD compares: East Asian, 0.37%; 3 homozygotes.

Submissions (3):

Molecular Diagnostic Laboratory for Inherited Cardiovascular Disease, Montreal Heart Institute
Classification: Likely benign. Last evaluated: 2026-09-21. Review status: criteria provided, single submitter. Criteria: ACMG Guidelines, 2015. Collection method: clinical testing. Allele origin: germline. Affected: no.
Comment: BS1;BP4

CeGaT Center for Human Genetics Tuebingen
Classification: Benign. Last evaluated: 2025-04-01. Review status: criteria provided, single submitter. Criteria: CeGaT Center For Human Genetics Tuebingen Variant Classification Criteria Version 2. Collection method: clinical testing. Allele origin: germline. Affected: yes. Observed: 1 variant allele.
Comment: ANK2: BP4, BS1, BS2

Laboratory of Genetics, Children's Clinical University Hospital Latvia
Classification: Likely benign. Last evaluated: 2025-02-16. Review status: criteria provided, single submitter. Criteria: ACMG Guidelines, 2015. Collection method: clinical testing. Allele origin: germline. Affected: yes.

NM_001148.6(ANK2):c.85-28465C>T

Gene: ANK2 (ankyrin 2; plus strand). Cytogenetic location: 4q25.
Variant type: single nucleotide variant.
Coding change: c.85-28465C>T on transcript NM_001148.6 (MANE Select); 28465 bases into the intron before coding-DNA position 85, C replaced by T.
Molecular consequence: intron variant. On other transcripts: missense variant (2).
Genome position (GRCh38, 1-based): chr4:113,145,951, C>T. VCF-style: chr4-113145951-C-T. GRCh37 (hg19) VCF-style: chr4-114067107-C-T.
Other names: c.83C>T, p.Thr28Ile (NM_001386174.1, NM_001386175.1); c.73-28465C>T (NM_001386186.2, NM_001386148.2, NM_001354269.3 and 1 more transcripts); c.22-5129C>T (NM_001386147.1, NM_001386160.1, NM_001354261.2); c.22-28465C>T (NM_001354254.2, NM_001354239.2, NM_001354252.2 and 33 more transcripts); c.85-5129C>T (NM_001354241.2); c.85-28465C>T (NM_001354225.2, NM_001354235.2, NM_001354246.2 and 9 more transcripts); c.130-28465C>T (NM_001386152.1, NM_001354237.2, NM_001354230.2 and 4 more transcripts); short protein forms T28I.
Identifiers: ClinVar variation 3898294 (VCV003898294.9), dbSNP rs118148584.